The following is an entry in ClinVar:

NM_019032.6(ADAMTSL4):c.3124C>G (p.Leu1042Val)

Gene: ADAMTSL4 (ADAMTS like 4; plus strand). Cytogenetic location: 1q21.2.
Variant type: single nucleotide variant.
Coding change: c.3124C>G on transcript NM_019032.6 (MANE Select); coding-DNA position 3124, C replaced by G.
Protein change: p.Leu1042Val; replaces leucine 1042 with valine.
Molecular consequence: missense variant.
Genome position (GRCh38, 1-based): chr1:150,560,095, C>G. VCF-style: chr1-150560095-C-G. GRCh37 (hg19) VCF-style: chr1-150532571-C-G.
Other names: c.3007C>G, p.Leu1003Val (NM_001288607.2); c.3193C>G, p.Leu1065Val (NM_001288608.2); c.3124C>G, p.Leu1042Val (NM_001378596.1); short protein forms L1042V, L1065V, L1003V.
Identifiers: ClinVar variation 2168516 (VCV002168516.1), dbSNP rs1332054292, ClinGen allele CA342319255.

ClinVar aggregate classification (germline): Uncertain significance (1 of 4 stars; one submission).

Allele frequency attached by ClinVar (database versions not stated): gnomAD exomes below 0.00001.
gnomAD v4.1: 6 of 1,614,136 alleles (0.00037%); highest among the groups gnomAD compares: Middle Eastern, 0.016%; no homozygotes.

Submission:

Labcorp Genetics (formerly Invitae), Labcorp
Classification: Uncertain significance. Last evaluated: 2022-04-04. Review status: criteria provided, single submitter. Criteria: Invitae Variant Classification Sherloc (09022015). Collection method: clinical testing. Allele origin: germline.
Comment: This sequence change replaces leucine, which is neutral and non-polar, with valine, which is neutral and non-polar, at codon 1042 of the ADAMTSL4 protein (p.Leu1042Val). This variant is present in population databases (no rsID available, gnomAD 0.009%). This variant has not been reported in the literature in individuals affected with ADAMTSL4-related conditions. Algorithms developed to predict the effect of missense changes on protein structure and function (SIFT, PolyPhen-2, Align-GVGD) all suggest that this variant is likely to be disruptive. In summary, the available evidence is currently insufficient to determine the role of this variant in disease. Therefore, it has been classified as a Variant of Uncertain Significance.